The following is an entry in ClinVar:

NM_000297.4(PKD2):c.2833C>T (p.Arg945Cys)

Gene: PKD2 (polycystin 2, transient receptor potential cation channel; plus strand). Cytogenetic location: 4q22.1.
Variant type: single nucleotide variant.
Coding change: c.2833C>T on transcript NM_000297.4 (MANE Select); coding-DNA position 2833, C replaced by T.
Protein change: p.Arg945Cys; replaces arginine 945 with cysteine.
Molecular consequence: missense variant. On other transcripts: non-coding transcript variant (1).
Genome position (GRCh38, 1-based): chr4:88,075,620, C>T. VCF-style: chr4-88075620-C-T. GRCh37 (hg19) VCF-style: chr4-88996772-C-T.
Other names: c.2833C>T (NM_000297.3); short protein forms R945C.
Identifiers: ClinVar variation 3591446 (VCV003591446.4).

ClinVar aggregate classification (germline): Uncertain significance. Review status: criteria provided, multiple submitters, no conflicts (2 of 4 stars). 4 submissions from 4 submitters: Uncertain significance (4). Last evaluated 2026-02-25.

Conditions:
Autosomal dominant polycystic kidney disease. Identifiers: Orphanet 730, MedGen C0085413, MONDO:0004691.
PKD2-related disorder. Also called: PKD2-related condition.
Polycystic kidney disease 2 (PKD2). Also called: Polycystic Kidney Disease 2, Autosomal Dominant; POLYCYSTIC KIDNEY DISEASE, ADULT, TYPE II; POLYCYSTIC KIDNEY DISEASE 2 WITH OR WITHOUT POLYCYSTIC LIVER DISEASE. Identifiers: MedGen C2751306, MONDO:0013131, OMIM 613095.

gnomAD v4.1: 15 of 1,614,130 alleles (0.00093%); highest among the groups gnomAD compares: East Asian, 0.011%; no homozygotes.

Submissions (4):

GeneDx
Classification: Uncertain significance. Last evaluated: 2026-02-25. Review status: criteria provided, single submitter. Criteria: GeneDx Variant Classification Process June 2021. Collection method: clinical testing. Allele origin: germline.
Comment: In silico analysis supports that this missense variant has a deleterious effect on protein structure/function; Has not been previously published as pathogenic or benign to our knowledge; This variant is associated with the following publications: (PMID: Jaiswal2017[Computational])

PreventionGenetics, part of Exact Sciences
Classification: Uncertain significance for PKD2-related condition. Last evaluated: 2025-06-30. Review status: criteria provided, single submitter. Criteria: ACMG Guidelines, 2015. Collection method: clinical testing. Allele origin: germline.
Comment: The PKD2 c.2833C>T variant is predicted to result in the amino acid substitution p.Arg945Cys. To our knowledge, this variant has not been reported in the literature. This variant is reported in 0.0062% of alleles in individuals of African descent in gnomAD. At this time, the clinical significance of this variant is uncertain due to the absence of conclusive functional and genetic evidence.

Fulgent Genetics
Classification: Uncertain significance for Polycystic kidney disease 2. Last evaluated: 2024-03-29. Review status: criteria provided, single submitter. Criteria: ACMG Guidelines, 2015. Collection method: clinical testing. Allele origin: germline.

Labcorp Genetics (formerly Invitae), Labcorp
Classification: Uncertain significance for Autosomal dominant polycystic kidney disease. Last evaluated: 2024-03-16. Review status: criteria provided, single submitter. Criteria: Invitae Variant Classification Sherloc (09022015). Collection method: clinical testing. Allele origin: germline.
Comment: This sequence change replaces arginine, which is basic and polar, with cysteine, which is neutral and slightly polar, at codon 945 of the PKD2 protein (p.Arg945Cys). This variant is present in population databases (rs200394279, gnomAD 0.007%). This variant has not been reported in the literature in individuals affected with PKD2-related conditions. An algorithm developed to predict the effect of missense changes on protein structure and function (PolyPhen-2) suggests that this variant is likely to be disruptive. In summary, the available evidence is currently insufficient to determine the role of this variant in disease. Therefore, it has been classified as a Variant of Uncertain Significance.